The following is an entry in ClinVar:

NM_152383.5(DIS3L2):c.1099G>A (p.Glu367Lys)

Gene: DIS3L2 (DIS3 like 3'-5' exoribonuclease 2; plus strand). Cytogenetic location: 2q37.1.
Variant type: single nucleotide variant.
Coding change: c.1099G>A on transcript NM_152383.5 (MANE Select); coding-DNA position 1099, G replaced by A.
Protein change: p.Glu367Lys; replaces glutamic acid 367 with lysine.
Molecular consequence: missense variant. On other transcripts: non-coding transcript variant (2).
Genome position (GRCh38, 1-based): chr2:232,163,607, G>A. VCF-style: chr2-232163607-G-A. GRCh37 (hg19) VCF-style: chr2-233028317-G-A.
Other names: c.1099G>A, p.Glu367Lys (NM_001257281.2); short protein forms E367K.
Identifiers: ClinVar variation 644251 (VCV000644251.8), dbSNP rs1574918564, ClinGen allele CA351154474.

ClinVar aggregate classification (germline): Uncertain significance (1 of 4 stars; one submission).

Conditions:
Perlman syndrome (PRLMNS). Identifiers: Orphanet 2849, MedGen C0796113, MONDO:0009965, OMIM 267000.

Submission:

Labcorp Genetics (formerly Invitae), Labcorp
Classification: Uncertain significance for Perlman syndrome. Last evaluated: 2018-07-08. Review status: criteria provided, single submitter. Criteria: Invitae Variant Classification Sherloc (09022015). Collection method: clinical testing. Allele origin: germline.
Comment: This sequence change replaces glutamic acid with lysine at codon 367 of the DIS3L2 protein (p.Glu367Lys). The glutamic acid residue is moderately conserved and there is a small physicochemical difference between glutamic acid and lysine. This variant is not present in population databases (ExAC no frequency). This variant has not been reported in the literature in individuals with DIS3L2-related disease. Algorithms developed to predict the effect of missense changes on protein structure and function are either unavailable or do not agree on the potential impact of this missense change (SIFT: "Tolerated"; PolyPhen-2: "Probably Damaging"; Align-GVGD: "Class C0"). In summary, the available evidence is currently insufficient to determine the role of this variant in disease. Therefore, it has been classified as a Variant of Uncertain Significance.